The following is an entry in ClinVar:

NM_000179.3(MSH6):c.3971A>C (p.Glu1324Ala)

Gene: MSH6 (mutS homolog 6; plus strand). Cytogenetic location: 2p16.3.
Variant type: single nucleotide variant.
Coding change: c.3971A>C on transcript NM_000179.3 (MANE Select); coding-DNA position 3971, A replaced by C.
Protein change: p.Glu1324Ala; replaces glutamic acid 1324 with alanine.
Molecular consequence: missense variant.
Genome position (GRCh38, 1-based): chr2:47,806,621, A>C. VCF-style: chr2-47806621-A-C. GRCh37 (hg19) VCF-style: chr2-48033760-A-C.
Other names: c.3581A>C, p.Glu1194Ala (NM_001281492.2); c.3065A>C, p.Glu1022Ala (NM_001281493.2, NM_001281494.2); short protein forms E1324A, E1194A, E1022A.
Identifiers: ClinVar variation 428354 (VCV000428354.10), dbSNP rs1114167738, ClinGen allele CA346761562.

ClinVar aggregate classification (germline): Conflicting classifications of pathogenicity. Review status: criteria provided, conflicting classifications (1 of 4 stars). 3 submissions from 3 submitters: Uncertain significance (2); Likely benign (1). Last evaluated 2025-04-02.

Conditions:
Hereditary nonpolyposis colorectal neoplasms. Identifiers: MedGen C0009405, MeSH D003123.
Hereditary cancer-predisposing syndrome. Also called: Hereditary Cancer Syndrome; Neoplastic Syndromes, Hereditary; Hereditary neoplastic syndrome; Tumor predisposition. Identifiers: Orphanet 140162, MedGen C0027672, MeSH D009386, MONDO:0015356.

Allele frequency attached by ClinVar (database versions not stated): gnomAD exomes below 0.00001.

Submissions (3):

Labcorp Genetics (formerly Invitae), Labcorp
Classification: Likely benign for Hereditary nonpolyposis colorectal neoplasms. Last evaluated: 2025-04-02. Review status: criteria provided, single submitter. Criteria: Invitae Variant Classification Sherloc (09022015). Collection method: clinical testing. Allele origin: germline.

Ambry Genetics
Classification: Uncertain significance for Hereditary cancer-predisposing syndrome. Last evaluated: 2024-10-19. Review status: criteria provided, single submitter. Criteria: Ambry Variant Classification Scheme 2023. Collection method: clinical testing. Allele origin: germline.
Comment: The p.E1324A variant (also known as c.3971A>C), located in coding exon 9 of the MSH6 gene, results from an A to C substitution at nucleotide position 3971. The glutamic acid at codon 1324 is replaced by alanine, an amino acid with dissimilar properties. This amino acid position is highly conserved in available vertebrate species. In addition, this alteration is predicted to be deleterious by in silico analysis. Since supporting evidence is limited at this time, the clinical significance of this alteration remains unclear.

Women's Health and Genetics/Laboratory Corporation of America, LabCorp
Classification: Uncertain significance. Last evaluated: 2020-08-24. Review status: criteria provided, single submitter. Criteria: LabCorp Variant Classification Summary - May 2015. Collection method: clinical testing. Allele origin: germline.
Comment: Variant summary: MSH6 c.3971A>C (p.Glu1324Ala) results in a non-conservative amino acid change in the encoded protein sequence. Five of five in-silico tools predict a damaging effect of the variant on protein function. The variant allele was found at a frequency of 4e-06 in 247586 control chromosomes. The available data on variant occurrences in the general population are insufficient to allow any conclusion about variant significance. To our knowledge, no occurrence of c.3971A>C in individuals affected with Lynch Syndrome and no experimental evidence demonstrating its impact on protein function have been reported. No clinical diagnostic laboratories have submitted clinical-significance assessments for this variant to ClinVar after 2014 although one clinical diagnostic laboratory has submitted a classification as VUS to ClinVar before 2014. Based on the evidence outlined above, the variant was classified as uncertain significance.